The following is an entry in ClinVar:

ClinVar aggregate classification (germline): Benign. Review status: criteria provided, multiple submitters, no conflicts (2 of 4 stars). 4 submissions from 4 submitters: Benign (4). Last evaluated 2026-02-03.

Conditions:
Retinitis pigmentosa (RP). Identifiers: Orphanet 791, MedGen C0035334, MeSH D012174, MONDO:0019200, OMIM 268000. Inheritance: Autosomal dominant, autosomal recessive and X linked inheritance.
Retinal dystrophy. Also called: Inherited retinal dystrophy. Identifiers: Orphanet 71862, MedGen C0854723, MeSH D058499, MONDO:0019118, HP:0000556.

Allele frequency attached by ClinVar (database versions not stated): gnomAD exomes 0.20387 and 0.20554; ExAC 0.21293; 1000 Genomes Project 0.26158; 1000 Genomes Project 30x 0.26936; gnomAD 0.28736 and 0.29624; TOPMed 0.29277; ESP Exome Variant Server 0.31132.
gnomAD v4.1: 344,938 of 1,613,812 alleles (21%); highest among the groups gnomAD compares: African/African-American, 53%; 42,254 homozygotes.

Submissions (4):

Labcorp Genetics (formerly Invitae), Labcorp
Classification: Benign. Last evaluated: 2026-02-03. Review status: criteria provided, single submitter. Criteria: Invitae Variant Classification Sherloc (09022015). Collection method: clinical testing. Allele origin: germline.

Dept Of Ophthalmology, Nagoya University
Classification: Benign for Retinal dystrophy. Last evaluated: 2023-10-01. Review status: criteria provided, single submitter. Criteria: Submitter's publication. Collection method: research. Allele origin: germline. Affected: yes.

Illumina Laboratory Services, Illumina
Classification: Benign for Retinitis pigmentosa. Last evaluated: 2018-01-13. Review status: criteria provided, single submitter. Criteria: ICSL Variant Classification Criteria 13 December 2019. Collection method: clinical testing. Allele origin: germline.
Comment: This variant was observed in the ICSL laboratory as part of a predisposition screen in an ostensibly healthy population. It had not been previously curated by ICSL or reported in the Human Gene Mutation Database (HGMD: prior to June 1st, 2018), and was therefore a candidate for classification through an automated scoring system. Utilizing variant allele frequency, disease prevalence and penetrance estimates, and inheritance mode, an automated score was calculated to assess if this variant is too frequent to cause the disease. Based on the score and internal cut-off values, a variant classified as benign is not then subjected to further curation. The score for this variant resulted in a classification of benign for this disease.

Breakthrough Genomics
Classification: Benign. Review status: criteria provided, single submitter. Criteria: ACMG Guidelines, 2015. Collection method: not provided. Allele origin: germline. Inheritance: Autosomal dominant inheritance. Affected: yes.

NM_006445.4(PRPF8):c.2847G>A (p.Pro949=)

Gene: PRPF8 (pre-mRNA processing factor 8; minus strand). Cytogenetic location: 17p13.3.
Variant type: single nucleotide variant.
Coding change: c.2847G>A on transcript NM_006445.4 (MANE Select); coding-DNA position 2847, G replaced by A.
Protein change: p.Pro949=; no amino-acid change (proline 949 retained).
Molecular consequence: synonymous variant.
Genome position (GRCh38, 1-based): chr17:1,675,645, C>T on the plus strand (G>A on the coding strand, the complement: PRPF8 is on the minus strand). VCF-style: chr17-1675645-C-T. GRCh37 (hg19) VCF-style: chr17-1578939-C-T.
Identifiers: ClinVar variation 321898 (VCV000321898.14), dbSNP rs33965342, ClinGen allele CA8272044.
Genomic context (GRCh38, chr17:1,675,645, plus strand): 5'-CCGTTCCTCACAGGGCGATCTCATGAAAGTTCTACCTTGACACCACTTGTAAACAAGCAG[C>T]GGAGGTGGTTCTGTGTCTGCAGGCTTAATCCAGGGTGGGAACAGGCGGCGCTTGTCGGCT-3'
Protein context (NP_006436.3, residues 939-959): WIKPADTEPP[Pro949=]LLVYKWCQGI